The following is an entry in ClinVar:

ClinVar aggregate classification (germline): Uncertain significance (0 of 4 stars; one submission).

Conditions:
RAI1-related disorder. Also called: RAI1-related condition.

Submission:

PreventionGenetics, part of Exact Sciences
Classification: Uncertain significance for RAI1-related condition. Last evaluated: 2024-03-13. Review status: no assertion criteria provided. Collection method: clinical testing. Allele origin: germline.
Comment: The RAI1 c.3341C>T variant is predicted to result in the amino acid substitution p.Ala1114Val. To our knowledge, this variant has not been reported in the literature or in a large population database, indicating this variant is rare. At this time, the clinical significance of this variant is uncertain due to the absence of conclusive functional and genetic evidence.

NM_030665.4(RAI1):c.3341C>T (p.Ala1114Val)

Gene: RAI1 (retinoic acid induced 1; plus strand). Cytogenetic location: 17p11.2.
Variant type: single nucleotide variant.
Coding change: c.3341C>T on transcript NM_030665.4 (MANE Select); coding-DNA position 3341, C replaced by T.
Protein change: p.Ala1114Val; replaces alanine 1114 with valine.
Molecular consequence: missense variant.
Genome position (GRCh38, 1-based): chr17:17,796,289, C>T. VCF-style: chr17-17796289-C-T. GRCh37 (hg19) VCF-style: chr17-17699603-C-T.
Other names: short protein forms A1114V.
Identifiers: ClinVar variation 3354077 (VCV003354077.1).
Genomic context (GRCh38, chr17:17,796,289, plus strand): 5'-CGGGCAAGCGGGTGGGGAAGCCCTCACCCAAGGCTGCCTCCAGCCCCAGCAACCCGGCCG[C>T]CCTGCCTGTGGCCTCCGACAGCAGCCCGATGGGCTCCAAGACCAAGGAGACAGACTCACC-3'
Protein context (NP_109590.3, residues 1104-1124): KAASSPSNPA[Ala1114Val]LPVASDSSPM